The following is an entry in ClinVar:

NM_001099922.3(ALG13):c.1661G>T (p.Trp554Leu)

Gene: ALG13 (ALG13 UDP-N-acetylglucosaminyltransferase subunit; plus strand). Cytogenetic location: Xq23.
Variant type: single nucleotide variant.
Coding change: c.1661G>T on transcript NM_001099922.3 (MANE Select); coding-DNA position 1661, G replaced by T.
Protein change: p.Trp554Leu; replaces tryptophan 554 with leucine.
Molecular consequence: missense variant. On other transcripts: non-coding transcript variant (1).
Genome position (GRCh38, 1-based): chrX:111,724,993, G>T. VCF-style: chrX-111724993-G-T. GRCh37 (hg19) VCF-style: chrX-110968221-G-T.
Other names: c.1661G>T (NM_001099922.2); c.1349G>T, p.Trp450Leu (NM_001257230.2, NM_001257234.2, NM_001257237.2); c.1427G>T, p.Trp476Leu (NM_001257231.2); c.1661G>T, p.Trp554Leu (NM_001324292.2); c.1175G>T, p.Trp392Leu (NM_001324293.1); short protein forms W450L, W554L, W392L, W476L.
Identifiers: ClinVar variation 838854 (VCV000838854.12), dbSNP rs1364102879, ClinGen allele CA414252243.

ClinVar aggregate classification (germline): Uncertain significance. Review status: criteria provided, multiple submitters, no conflicts (2 of 4 stars). 2 submissions from 2 submitters: Uncertain significance (2). Last evaluated 2026-06-04.

Conditions:
Developmental and epileptic encephalopathy, 36 (DEE36). Also called: Congenital disorder of glycosylation, type Is; ALG13-CDG; Epileptic encephalopathy, early infantile, 36. Identifiers: Orphanet 324422, MedGen C4317295, MONDO:0010472, OMIM 300884.

Allele frequency attached by ClinVar (database versions not stated): gnomAD 0.00001; TOPMed 0.00001.
gnomAD v4.1: 1 of 1,209,028 alleles (0.000083%); highest among the groups gnomAD compares: Non-Finnish European, 0.00011%; no homozygotes.

Submissions (2):

GeneDx
Classification: Uncertain significance. Last evaluated: 2026-06-04. Review status: criteria provided, single submitter. Criteria: GeneDx Variant Classification Process June 2021. Collection method: clinical testing. Allele origin: germline.
Comment: Not observed at significant frequency in large population cohorts (gnomAD); In silico analysis supports that this missense variant has a deleterious effect on protein structure/function; Has not been previously published as pathogenic or benign to our knowledge

Labcorp Genetics (formerly Invitae), Labcorp
Classification: Uncertain significance for Developmental and epileptic encephalopathy, 36. Last evaluated: 2024-01-20. Review status: criteria provided, single submitter. Criteria: Invitae Variant Classification Sherloc (09022015). Collection method: clinical testing. Allele origin: germline.
Comment: This sequence change replaces tryptophan, which is neutral and slightly polar, with leucine, which is neutral and non-polar, at codon 554 of the ALG13 protein (p.Trp554Leu). This variant is not present in population databases (gnomAD no frequency). This missense change has been observed in individual(s) with clinical features of ALG13-related conditions (Invitae). ClinVar contains an entry for this variant (Variation ID: 838854). Advanced modeling of protein sequence and biophysical properties (such as structural, functional, and spatial information, amino acid conservation, physicochemical variation, residue mobility, and thermodynamic stability) performed at Invitae indicates that this missense variant is not expected to disrupt ALG13 protein function with a negative predictive value of 80%. In summary, the available evidence is currently insufficient to determine the role of this variant in disease. Therefore, it has been classified as a Variant of Uncertain Significance.